The following is an entry in ClinVar:

NM_002641.4(PIGA):c.300G>T (p.Gln100His)

Gene: PIGA (phosphatidylinositol glycan anchor biosynthesis class A; minus strand). Cytogenetic location: Xp22.2.
Variant type: single nucleotide variant.
Coding change: c.300G>T on transcript NM_002641.4 (MANE Select); coding-DNA position 300, G replaced by T.
Protein change: p.Gln100His; replaces glutamine 100 with histidine.
Molecular consequence: missense variant. On other transcripts: non-coding transcript variant (1), intron variant (1).
Genome position (GRCh38, 1-based): chrX:15,331,631, C>A on the plus strand (G>T on the coding strand, the complement: PIGA is on the minus strand). VCF-style: chrX-15331631-C-A. GRCh37 (hg19) VCF-style: chrX-15349753-C-A.
Other names: c.13+3870G>T (NM_020473.3); short protein forms Q100H.
Identifiers: ClinVar variation 849830 (VCV000849830.10), dbSNP rs757482806, ClinGen allele CA10354170.

ClinVar aggregate classification (germline): Uncertain significance (1 of 4 stars; one submission).

Conditions:
Multiple congenital anomalies-hypotonia-seizures syndrome 2 (MCAHS2). Also called: EPILEPTIC ENCEPHALOPATHY, EARLY INFANTILE, 20; GLYCOSYLPHOSPHATIDYLINOSITOL BIOSYNTHESIS DEFECT 4. Identifiers: Orphanet 300496, MedGen C3275508, MONDO:0010466, OMIM 300868.

Allele frequency attached by ClinVar (database versions not stated): gnomAD exomes below 0.00001 and 0.00001; TOPMed below 0.00001; ExAC 0.00001.
gnomAD v4.1: 2 of 1,211,658 alleles (0.00017%); highest among the groups gnomAD compares: East Asian, 0.0059%; no homozygotes.

Submission:

Labcorp Genetics (formerly Invitae), Labcorp
Classification: Uncertain significance for Multiple congenital anomalies-hypotonia-seizures syndrome 2. Last evaluated: 2019-02-13. Review status: criteria provided, single submitter. Criteria: Invitae Variant Classification Sherloc (09022015). Collection method: clinical testing. Allele origin: germline.
Comment: In summary, the available evidence is currently insufficient to determine the role of this variant in disease. Therefore, it has been classified as a Variant of Uncertain Significance. Algorithms developed to predict the effect of missense changes on protein structure and function are either unavailable or do not agree on the potential impact of this missense change (SIFT: "Deleterious"; PolyPhen-2: "Probably Damaging"; Align-GVGD: "Class C0"). This variant has not been reported in the literature in individuals with PIGA-related conditions. This variant is present in population databases (rs757482806, ExAC 0.02%). This sequence change replaces glutamine with histidine at codon 100 of the PIGA protein (p.Gln100His). The glutamine residue is moderately conserved and there is a small physicochemical difference between glutamine and histidine.